The following is an entry in ClinVar:

ClinVar aggregate classification (germline): Uncertain significance (1 of 4 stars; one submission).

Conditions:
Hereditary cancer-predisposing syndrome. Also called: Neoplastic Syndromes, Hereditary; Hereditary Cancer Syndrome; Tumor predisposition; Hereditary neoplastic syndrome. Identifiers: Orphanet 140162, MedGen C0027672, MeSH D009386, MONDO:0015356.

gnomAD v4.1: 1 of 1,602,854 alleles (0.000062%); highest among the groups gnomAD compares: Non-Finnish European, 0.000085%; no homozygotes.

Submission:

Ambry Genetics
Classification: Uncertain significance for Hereditary cancer-predisposing syndrome. Last evaluated: 2025-01-02. Review status: criteria provided, single submitter. Criteria: Ambry Variant Classification Scheme 2023. Collection method: clinical testing. Allele origin: germline.
Comment: The p.N514S variant (also known as c.1541A>G), located in coding exon 12 of the POT1 gene, results from an A to G substitution at nucleotide position 1541. The asparagine at codon 514 is replaced by serine, an amino acid with highly similar properties. This amino acid position is conserved. In addition, this alteration is predicted to be tolerated by in silico analysis. Based on the available evidence, the clinical significance of this variant remains unclear.

NM_015450.3(POT1):c.1541A>G (p.Asn514Ser)

Gene: POT1 (protection of telomeres 1; minus strand). Cytogenetic location: 7q31.33.
Variant type: single nucleotide variant.
Coding change: c.1541A>G on transcript NM_015450.3 (MANE Select); coding-DNA position 1541, A replaced by G.
Protein change: p.Asn514Ser; replaces asparagine 514 with serine.
Molecular consequence: missense variant. On other transcripts: non-coding transcript variant (2).
Genome position (GRCh38, 1-based): chr7:124,829,307, T>C on the plus strand (A>G on the coding strand, the complement: POT1 is on the minus strand). VCF-style: chr7-124829307-T-C. GRCh37 (hg19) VCF-style: chr7-124469361-T-C.
Other names: c.1148A>G, p.Asn383Ser (NM_001042594.2); short protein forms N383S, N514S.
Identifiers: ClinVar variation 3781992 (VCV003781992.1).